The following is an entry in ClinVar:

NM_006593.4(TBR1):c.1048A>G (p.Thr350Ala)

Gene: TBR1 (T-box brain transcription factor 1; plus strand). Cytogenetic location: 2q24.2.
Variant type: single nucleotide variant.
Coding change: c.1048A>G on transcript NM_006593.4 (MANE Select); coding-DNA position 1048, A replaced by G.
Protein change: p.Thr350Ala; replaces threonine 350 with alanine.
Molecular consequence: missense variant.
Genome position (GRCh38, 1-based): chr2:161,418,970, A>G. VCF-style: chr2-161418970-A-G. GRCh37 (hg19) VCF-style: chr2-162275481-A-G.
Other names: short protein forms T350A.
Identifiers: ClinVar variation 589234 (VCV000589234.5), dbSNP rs138102755, ClinGen allele CA1930876.

ClinVar aggregate classification (germline): Uncertain significance (1 of 4 stars; one submission).

Conditions:
Inborn genetic diseases. Identifiers: MedGen C0950123, MeSH D030342.

Allele frequency attached by ClinVar (database versions not stated): gnomAD exomes below 0.00001; ExAC 0.00001; TOPMed 0.00003; gnomAD 0.00004; ESP Exome Variant Server 0.00008.
gnomAD v4.1: 9 of 1,614,110 alleles (0.00056%); highest among the groups gnomAD compares: African/African-American, 0.011%; no homozygotes.

Submission:

Ambry Genetics
Classification: Uncertain significance for Inborn genetic diseases. Last evaluated: 2017-06-12. Review status: criteria provided, single submitter. Criteria: Ambry Variant Classification Scheme 2023. Collection method: clinical testing. Allele origin: germline.
Comment: The p.T350A variant (also known as c.1048A>G), located in coding exon 4 of the TBR1 gene, results from an A to G substitution at nucleotide position 1048. The threonine at codon 350 is replaced by alanine, an amino acid with similar properties. This amino acid position is well conserved in available vertebrate species; however, alanine is the reference amino acid in other vertebrate species. In addition, this alteration is predicted to be tolerated by in silico analysis. Since supporting evidence is limited at this time, the clinical significance of this alteration remains unclear.